The following is an entry in ClinVar:

ClinVar aggregate classification (germline): Uncertain significance. Review status: criteria provided, multiple submitters, no conflicts (2 of 4 stars). 3 submissions from 3 submitters: Uncertain significance (3). Last evaluated 2025-04-30.

Conditions:
Cerebellar ataxia. Identifiers: Orphanet 102002, MedGen C0007758, MONDO:0000437.

Submissions (3):

Clinical Genetics Laboratory, Skane University Hospital Lund
Classification: Uncertain significance for Cerebellar ataxia. Last evaluated: 2025-04-30. Review status: criteria provided, single submitter. Criteria: ACMG Guidelines, 2015. Collection method: clinical testing. Allele origin: germline. Affected: yes.
Comment: ACMG criteria used: PM2, PP3

Labcorp Genetics (formerly Invitae), Labcorp
Classification: Uncertain significance. Last evaluated: 2024-11-19. Review status: criteria provided, single submitter. Criteria: Invitae Variant Classification Sherloc (09022015). Collection method: clinical testing. Allele origin: germline.
Comment: This sequence change replaces arginine, which is basic and polar, with histidine, which is basic and polar, at codon 1297 of the CACNA1G protein (p.Arg1297His). This variant is present in population databases (rs764399144, gnomAD 0.008%). This missense change has been observed in individual(s) with dystonia (PMID: 36648081). Invitae Evidence Modeling of protein sequence and biophysical properties (such as structural, functional, and spatial information, amino acid conservation, physicochemical variation, residue mobility, and thermodynamic stability) has been performed for this missense variant. However, the output from this modeling did not meet the statistical confidence thresholds required to predict the impact of this variant on CACNA1G protein function. In summary, the available evidence is currently insufficient to determine the role of this variant in disease. Therefore, it has been classified as a Variant of Uncertain Significance.

Blueprint Genetics
Classification: Uncertain significance. Last evaluated: 2022-06-09. Review status: criteria provided, single submitter. Criteria: ACMG Guidelines, 2015. Collection method: clinical testing. Allele origin: germline.

Literature cited by the submitters: PubMed 36648081 (cited by Labcorp Genetics (formerly Invitae), Labcorp).

NM_018896.5(CACNA1G):c.3890G>A (p.Arg1297His)

Gene: CACNA1G (calcium voltage-gated channel subunit alpha1 G; plus strand). Cytogenetic location: 17q21.33.
Variant type: single nucleotide variant.
Coding change: c.3890G>A on transcript NM_018896.5 (MANE Select); coding-DNA position 3890, G replaced by A.
Protein change: p.Arg1297His; replaces arginine 1297 with histidine.
Molecular consequence: missense variant. On other transcripts: non-coding transcript variant (5).
Genome position (GRCh38, 1-based): chr17:50,601,149, G>A. VCF-style: chr17-50601149-G-A. GRCh37 (hg19) VCF-style: chr17-48678510-G-A.
Other names: c.3890G>A, p.Arg1297His (NM_001256324.2, NM_001256325.2, NM_001256326.2 and 16 more transcripts); c.3821G>A, p.Arg1274His (NM_001256332.2, NM_198376.3, NM_198379.3 and 5 more transcripts); short protein forms R1274H, R1297H.
Identifiers: ClinVar variation 3612701 (VCV003612701.4).